The following is an entry in ClinVar:

NM_015040.4(PIKFYVE):c.1711C>T (p.Arg571Cys)

Gene: PIKFYVE (phosphoinositide kinase, FYVE-type zinc finger containing; plus strand). Cytogenetic location: 2q34.
Variant type: single nucleotide variant.
Coding change: c.1711C>T on transcript NM_015040.4 (MANE Select); coding-DNA position 1711, C replaced by T.
Protein change: p.Arg571Cys; replaces arginine 571 with cysteine.
Molecular consequence: missense variant.
Genome position (GRCh38, 1-based): chr2:208,314,308, C>T. VCF-style: chr2-208314308-C-T. GRCh37 (hg19) VCF-style: chr2-209179032-C-T.
Other names: short protein forms R571C.
Identifiers: ClinVar variation 897243 (VCV000897243.7), dbSNP rs771948901, ClinGen allele CA2079625.

ClinVar aggregate classification (germline): Uncertain significance. Review status: criteria provided, multiple submitters, no conflicts (2 of 4 stars). 2 submissions from 2 submitters: Uncertain significance (2). Last evaluated 2025-01-20.

Conditions:
Fleck corneal dystrophy (CFD). Also called: CORNEAL DYSTROPHY, FRANCOIS-NEETENS SPECKLED OR FLECKED. Identifiers: Orphanet 98970, MedGen C1562113, MONDO:0007376, OMIM 121850.

Allele frequency attached by ClinVar (database versions not stated): ExAC 0.00001; gnomAD exomes 0.00001 and 0.00002; TOPMed 0.00002; gnomAD 0.00003.

Submissions (2):

Labcorp Genetics (formerly Invitae), Labcorp
Classification: Uncertain significance. Last evaluated: 2025-01-20. Review status: criteria provided, single submitter. Criteria: Invitae Variant Classification Sherloc (09022015). Collection method: clinical testing. Allele origin: germline.
Comment: This sequence change replaces arginine, which is basic and polar, with cysteine, which is neutral and slightly polar, at codon 571 of the PIKFYVE protein (p.Arg571Cys). This variant is present in population databases (rs771948901, gnomAD 0.005%). This variant has not been reported in the literature in individuals affected with PIKFYVE-related conditions. ClinVar contains an entry for this variant (Variation ID: 897243). An algorithm developed to predict the effect of missense changes on protein structure and function (PolyPhen-2) suggests that this variant is likely to be disruptive. In summary, the available evidence is currently insufficient to determine the role of this variant in disease. Therefore, it has been classified as a Variant of Uncertain Significance.

Illumina Laboratory Services, Illumina
Classification: Uncertain significance for Fleck corneal dystrophy. Last evaluated: 2018-01-13. Review status: criteria provided, single submitter. Criteria: ICSL Variant Classification Criteria 13 December 2019. Collection method: clinical testing. Allele origin: germline.